The following is an entry in ClinVar:

ClinVar aggregate classification (germline): Uncertain significance. Review status: criteria provided, multiple submitters, no conflicts (2 of 4 stars). 2 submissions from 2 submitters: Uncertain significance (2). Last evaluated 2025-02-13.

Conditions:
Hereditary cancer-predisposing syndrome. Also called: Hereditary Cancer Syndrome; Hereditary neoplastic syndrome; Neoplastic Syndromes, Hereditary; Tumor predisposition. Identifiers: Orphanet 140162, MedGen C0027672, MeSH D009386, MONDO:0015356.

Submissions (2):

Ambry Genetics
Classification: Uncertain significance for Hereditary cancer-predisposing syndrome. Last evaluated: 2025-02-13. Review status: criteria provided, single submitter. Criteria: Ambry Variant Classification Scheme 2023. Collection method: clinical testing. Allele origin: germline.
Comment: The p.D715N variant (also known as c.2143G>A), located in coding exon 4 of the MSH6 gene, results from a G to A substitution at nucleotide position 2143. The aspartic acid at codon 715 is replaced by asparagine, an amino acid with highly similar properties. This amino acid position is conserved. In addition, this alteration is predicted to be tolerated by in silico analysis. Based on the available evidence, the clinical significance of this variant remains unclear.

Sema4
Classification: Uncertain significance for Hereditary cancer-predisposing syndrome. Last evaluated: 2021-11-03. Review status: criteria provided, single submitter. Criteria: Sema4 Curation Guidelines. Collection method: curation. Allele origin: germline.
Comment: The MSH6 c.2143G>A (p.D715N) variant has not been reported in the literature to our knowledge. It was not observed in the large and broad cohorts of the Genome Aggregation Database (PMID: 32461654), nor has it been reported in ClinVar. Functional studies have not been performed, and in silico predictions of the variant's effect on protein function are inconclusive. The evidence is insufficient to meet ACMG/AMP criteria for classifying the variant as benign or pathogenic. Thus, the clinical significance of this variant is currently uncertain.

NM_000179.3(MSH6):c.2143G>A (p.Asp715Asn)

Gene: MSH6 (mutS homolog 6; plus strand). Cytogenetic location: 2p16.3.
Variant type: single nucleotide variant.
Coding change: c.2143G>A on transcript NM_000179.3 (MANE Select); coding-DNA position 2143, G replaced by A.
Protein change: p.Asp715Asn; replaces aspartic acid 715 with asparagine.
Molecular consequence: missense variant.
Genome position (GRCh38, 1-based): chr2:47,800,126, G>A. VCF-style: chr2-47800126-G-A. GRCh37 (hg19) VCF-style: chr2-48027265-G-A.
Other names: c.1753G>A, p.Asp585Asn (NM_001281492.2); c.1237G>A, p.Asp413Asn (NM_001281493.2, NM_001281494.2); short protein forms D413N, D585N, D715N.
Identifiers: ClinVar variation 1692250 (VCV001692250.2), dbSNP rs1344588756, ClinGen allele CA346751078.
Genomic context (GRCh38, chr2:47,800,126, plus strand): 5'-CTTATTGATCAGGAGCTTTTATCAATGGCTAATTTTGAAGAATATATTCCCTTGGATTCT[G>A]ACACAGTCAGCACTACAAGATCTGGTGCTATCTTCACCAAAGCCTATCAACGAATGGTGC-3'
Protein context (NP_000170.1, residues 705-725): NFEEYIPLDS[Asp715Asn]TVSTTRSGAI